The following is an entry in ClinVar:

NM_025179.4(PLXNA2):c.4192C>T (p.Leu1398=)

Gene: PLXNA2 (plexin A2; minus strand). Cytogenetic location: 1q32.2.
Variant type: single nucleotide variant.
Coding change: c.4192C>T on transcript NM_025179.4 (MANE Select); coding-DNA position 4192, C replaced by T.
Protein change: p.Leu1398=; no amino-acid change (leucine 1398 retained).
Molecular consequence: synonymous variant.
Genome position (GRCh38, 1-based): chr1:208,042,192, G>A on the plus strand (C>T on the coding strand, the complement: PLXNA2 is on the minus strand). VCF-style: chr1-208042192-G-A. GRCh37 (hg19) VCF-style: chr1-208215537-G-A.
Identifiers: ClinVar variation 3357294 (VCV003357294.1).
Genomic context (GRCh38, chr1:208,042,192, plus strand): 5'-CCAGGTTCTTATCGATGAGGTCAGAGAGCAGCTGCTTGAGGACATCAGTGGCATATTCCA[G>A]GCGGCCCTGCAGGCCGGTCATGATGAGCGAAGCCACGTTGCCCCGGTCGCGCATGGAGAA-3'
Protein context (NP_079455.3, residues 1388-1408): SLIMTGLQGR[Leu1398=]EYATDVLKQL

ClinVar aggregate classification (germline): Likely benign (0 of 4 stars; one submission).

Conditions:
PLXNA2-related disorder. Also called: PLXNA2-related condition.

gnomAD v4.1: 7 of 1,614,238 alleles (0.00043%); highest among the groups gnomAD compares: Non-Finnish European, 0.00059%; no homozygotes.

Submission:

PreventionGenetics, part of Exact Sciences
Classification: Likely benign for PLXNA2-related condition. Last evaluated: 2023-05-31. Review status: no assertion criteria provided. Collection method: clinical testing. Allele origin: germline.
Comment: This variant is classified as likely benign based on ACMG/AMP sequence variant interpretation guidelines (Richards et al. 2015 PMID: 25741868, with internal and published modifications).